The following is an entry in ClinVar:

NM_198253.3(TERT):c.2095G>T (p.Ala699Ser)

Gene: TERT (telomerase reverse transcriptase; minus strand). Cytogenetic location: 5p15.33.
Variant type: single nucleotide variant.
Coding change: c.2095G>T on transcript NM_198253.3 (MANE Select); coding-DNA position 2095, G replaced by T.
Protein change: p.Ala699Ser; replaces alanine 699 with serine.
Molecular consequence: missense variant. On other transcripts: non-coding transcript variant (2).
Genome position (GRCh38, 1-based): chr5:1,279,326, C>A on the plus strand (G>T on the coding strand, the complement: TERT is on the minus strand). VCF-style: chr5-1279326-C-A. GRCh37 (hg19) VCF-style: chr5-1279441-C-A.
Other names: c.2095G>T, p.Ala699Ser (NM_001193376.3, NM_003219.1); short protein forms A699S.
Identifiers: ClinVar variation 2009430 (VCV002009430.4), dbSNP rs2126641710, ClinGen allele CA359080114.
Genomic context (GRCh38, chr5:1,279,326, plus strand): 5'-GCTCACGGGGGTCCCCGGCACCCACCTTGACAAAGTACAGCTCAGGCGGCGGGTCCTGGG[C>A]CCGCACACGCAGCACGAAGGTGCGCCAGGCCCTGTGGATATCGTCCAGGCCCAGCACAGA-3'
Protein context (NP_937983.2, residues 689-709): AWRTFVLRVR[Ala699Ser]QDPPPELYFV

ClinVar aggregate classification (germline): Uncertain significance (1 of 4 stars; one submission).

Conditions:
Dyskeratosis congenita, autosomal dominant 2. Identifiers: MedGen C3151443, MONDO:0013521, OMIM 613989.
Idiopathic Pulmonary Fibrosis. Also called: Idiopathic fibrosing alveolitis, chronic form; idiopathic fibrosing alveolitis. Identifiers: Orphanet 2032, MedGen C1800706, MeSH D054990, MONDO:0800504.

gnomAD v4.1: 1 of 1,585,628 alleles (0.000063%); highest among the groups gnomAD compares: Non-Finnish European, 0.000086%; no homozygotes.

Submission:

Labcorp Genetics (formerly Invitae), Labcorp
Classification: Uncertain significance for Dyskeratosis congenita, autosomal dominant 2; Idiopathic Pulmonary Fibrosis. Last evaluated: 2022-12-24. Review status: criteria provided, single submitter. Criteria: Invitae Variant Classification Sherloc (09022015). Collection method: clinical testing. Allele origin: germline.
Comment: In summary, the available evidence is currently insufficient to determine the role of this variant in disease. Therefore, it has been classified as a Variant of Uncertain Significance. Advanced modeling of protein sequence and biophysical properties (such as structural, functional, and spatial information, amino acid conservation, physicochemical variation, residue mobility, and thermodynamic stability) performed at Invitae indicates that this missense variant is expected to disrupt TERT protein function. This variant has not been reported in the literature in individuals affected with TERT-related conditions. This variant is not present in population databases (gnomAD no frequency). This sequence change replaces alanine, which is neutral and non-polar, with serine, which is neutral and polar, at codon 699 of the TERT protein (p.Ala699Ser).